The following is an entry in ClinVar:

ClinVar aggregate classification (germline): Uncertain significance. Review status: criteria provided, multiple submitters, no conflicts (2 of 4 stars). 8 submissions from 8 submitters: Uncertain significance (8). Last evaluated 2026-06-07.

Conditions:
Pheochromocytoma. Also called: MAX-Related Hereditary Paraganglioma-Pheochromocytoma Syndrome. Identifiers: Orphanet 29072, MedGen C0031511, MONDO:0008233, OMIM 171300, HP:0002666.
Hirschsprung disease, susceptibility to, 1 (HSCR1). Also called: RET-Related Hirschsprung Disease. Identifiers: Orphanet 388, MedGen C3888239, MONDO:0007723, OMIM 142623.
Familial medullary thyroid carcinoma (MTC). Also called: Thyroid cancer, familial medullary; MTC, familial; Familial Medullary Thyroid Carcinoma (FMTC). Identifiers: Orphanet 653, Orphanet 99361, MedGen C1833921, MONDO:0007958, OMIM 155240.
Multiple endocrine neoplasia type 2B. Also called: WAGENMANN-FROBOESE SYNDROME; MULTIPLE ENDOCRINE NEOPLASIA, TYPE III; MEN 2B; MUCOSAL NEUROMA SYNDROME; MULTIPLE ENDOCRINE NEOPLASIA, TYPE IIB; MEN IIB. Identifiers: Orphanet 247709, Orphanet 653, MedGen C0025269, MeSH D018814, MONDO:0008082, OMIM 162300.
Multiple endocrine neoplasia type 2A. Also called: MULTIPLE ENDOCRINE NEOPLASIA, TYPE IIA; PTC SYNDROME; SIPPLE SYNDROME; MEN 2A; MEN-2A syndrome; Pheochromocytoma and amyloid producing medullary thyroid carcinoma. Identifiers: Orphanet 247698, Orphanet 653, MedGen C0025268, MeSH D018813, MONDO:0008234, OMIM 171400.
RET-related disorder. Also called: RET-related disorders; RET-related condition; RET-related disease.
Hereditary cancer-predisposing syndrome. Also called: Tumor predisposition; Hereditary neoplastic syndrome; Neoplastic Syndromes, Hereditary; Hereditary Cancer Syndrome. Identifiers: Orphanet 140162, MedGen C0027672, MeSH D009386, MONDO:0015356.
Multiple endocrine neoplasia, type 2 (MEN2). Identifiers: Orphanet 653, MedGen C4048306, MONDO:0019003. Disease mechanism: gain of function.

Allele frequency attached by ClinVar (database versions not stated): ExAC 0.00001; gnomAD exomes 0.00001 and 0.00003; gnomAD 0.00003; TOPMed 0.00003; ESP Exome Variant Server 0.00008.
gnomAD v4.1: 48 of 1,614,020 alleles (0.003%); highest among the groups gnomAD compares: Non-Finnish European, 0.0037%; no homozygotes.

Submissions (8):

PreventionGenetics, part of Exact Sciences
Classification: Uncertain significance for RET-related condition. Last evaluated: 2026-06-07. Review status: criteria provided, single submitter. Criteria: ACMG Guidelines, 2015. Collection method: clinical testing. Allele origin: germline.
Comment: The RET c.1737C>G variant is predicted to result in the amino acid substitution p.Asn579Lys. To our knowledge, this variant has not been reported in the literature. This variant is reported in 0.0023% of alleles in individuals of European (Non-Finnish) descent in gnomAD and is interpreted as uncertain in ClinVar (Variation ID: 216717). At this time, the clinical significance of this variant is uncertain due to the absence of conclusive functional and genetic evidence.

Labcorp Genetics (formerly Invitae), Labcorp
Classification: Uncertain significance for Multiple endocrine neoplasia, type 2. Last evaluated: 2026-01-19. Review status: criteria provided, single submitter. Criteria: Invitae Variant Classification Sherloc (09022015). Collection method: clinical testing. Allele origin: germline.
Comment: This sequence change replaces asparagine, which is neutral and polar, with lysine, which is basic and polar, at codon 579 of the RET protein (p.Asn579Lys). The frequency data for this variant in the population databases is considered unreliable, as metrics indicate poor data quality at this position in the gnomAD database. This variant has not been reported in the literature in individuals affected with RET-related conditions. ClinVar contains an entry for this variant (Variation ID: 216717). An algorithm developed to predict the effect of missense changes on protein structure and function (PolyPhen-2) suggests that this variant is likely to be tolerated. In summary, the available evidence is currently insufficient to determine the role of this variant in disease. Therefore, it has been classified as a Variant of Uncertain Significance.

Ambry Genetics
Classification: Uncertain significance for Hereditary cancer-predisposing syndrome. Last evaluated: 2025-12-16. Review status: criteria provided, single submitter. Criteria: Ambry Variant Classification Scheme 2023. Collection method: clinical testing. Allele origin: germline.
Comment: The p.N579K variant (also known as c.1737C>G), located in coding exon 9 of the RET gene, results from a C to G substitution at nucleotide position 1737. The asparagine at codon 579 is replaced by lysine, an amino acid with similar properties. This amino acid position is poorly conserved in available vertebrate species. In addition, this alteration is predicted to be tolerated by in silico analysis. Based on the available evidence, the clinical significance of this variant remains unclear.

Color Diagnostics, LLC DBA Color Health
Classification: Uncertain significance for Multiple endocrine neoplasia, type 2. Last evaluated: 2025-05-27. Review status: criteria provided, single submitter. Criteria: ACMG Guidelines, 2015. Collection method: clinical testing. Allele origin: germline.
Comment: This missense variant replaces asparagine with lysine at codon 579 of the RET protein. Computational prediction suggests that this variant may not impact protein structure and function. To our knowledge, functional studies have not been reported for this variant. This variant has not been reported as a germline mutation in individuals affected with RET-related disorders. This variant has not been identified in the general population by the Genome Aggregation Database (gnomAD). The available evidence is insufficient to determine the role of this variant in disease conclusively. Therefore, this variant is classified as a Variant of Uncertain Significance.

All of Us Research Program, National Institutes of Health
Classification: Uncertain significance for Multiple endocrine neoplasia, type 2. Last evaluated: 2024-08-06. Review status: criteria provided, single submitter. Criteria: ACMG Guidelines, 2015. Collection method: clinical testing. Allele origin: germline. Inheritance: Autosomal dominant inheritance. Observed: 7 variant alleles, 7 heterozygotes.
Comment: This missense variant replaces asparagine with lysine at codon 579 of the RET protein. Computational prediction suggests that this variant may not impact protein structure and function (internally defined REVEL score threshold <= 0.5, PMID: 27666373). To our knowledge, functional studies have not been reported for this variant. This variant has not been reported as a germline mutation in individuals affected with hereditary cancer in the literature. This variant has not been identified in the general population by the Genome Aggregation Database (gnomAD). The available evidence is insufficient to determine the role of this variant in disease conclusively. Therefore, this variant is classified as a Variant of Uncertain Significance.

This study involves interpretation of variants in research participants for the purpose of population health screening. Participant phenotype was not available at the time of variant classification. Additional details can be found in publication PMID: 35346344, PMCID: PMC8962531

St. Jude Molecular Pathology, St. Jude Children's Research Hospital
Classification: Uncertain significance for Multiple endocrine neoplasia type 2A. Last evaluated: 2024-02-11. Review status: criteria provided, single submitter. Criteria: St. Jude Assertion Criteria 2020. Collection method: clinical testing. Allele origin: germline.
Comment: The RET c.1737C>G (p.Asn579Lys) missense change has a maximum subpopulation frequency of 0.002% in gnomAD v2.1.1. The in silico tool REVEL predicts a benign effect on protein function, but to our knowledge this prediction has not been confirmed by functional studies. In summary, the evidence currently available is insufficient to determine the clinical significance of this variant. It has therefore been classified as of uncertain significance.

GeneDx
Classification: Uncertain significance. Last evaluated: 2023-12-29. Review status: criteria provided, single submitter. Criteria: GeneDx Variant Classification Process June 2021. Collection method: clinical testing. Allele origin: germline. Affected: yes.
Comment: Not observed at significant frequency in large population cohorts (gnomAD); In silico analysis supports that this missense variant does not alter protein structure/function; Has not been previously published as pathogenic or benign to our knowledge; This variant is associated with the following publications: (PMID: 31766881, 29641532, 26934580, 14633923)

Fulgent Genetics
Classification: Uncertain significance for Hirschsprung disease, susceptibility to, 1; Familial medullary thyroid carcinoma; Multiple endocrine neoplasia type 2B; Pheochromocytoma; Multiple endocrine neoplasia type 2A. Last evaluated: 2022-04-27. Review status: criteria provided, single submitter. Criteria: ACMG Guidelines, 2015. Collection method: clinical testing. Allele origin: unknown.

NM_020975.6(RET):c.1737C>G (p.Asn579Lys)

Gene: RET (ret proto-oncogene; plus strand). Cytogenetic location: 10q11.21.
Variant type: single nucleotide variant.
Coding change: c.1737C>G on transcript NM_020975.6 (MANE Select); coding-DNA position 1737, C replaced by G.
Protein change: p.Asn579Lys; replaces asparagine 579 with lysine.
Molecular consequence: missense variant.
Genome position (GRCh38, 1-based): chr10:43,112,941, C>G. VCF-style: chr10-43112941-C-G. GRCh37 (hg19) VCF-style: chr10-43608389-C-G.
Other names: c.1737C>G (NM_020630.5); c.1449C>G, p.Asn483Lys (NM_001406770.1, NM_001406766.1, NM_001406767.1); c.1299C>G, p.Asn433Lys (NM_001406771.1, NM_001406773.1); c.1341C>G, p.Asn447Lys (NM_001406772.1, NM_001406769.1); c.1212C>G, p.Asn404Lys (NM_001406774.1); c.1011C>G, p.Asn337Lys (NM_001406775.1, NM_001406776.1, NM_001406777.1 and 1 more transcripts); c.840C>G, p.Asn280Lys (NM_001406779.1, NM_001406780.1, NM_001406781.1 and 3 more transcripts); c.1737C>G, p.Asn579Lys (NM_000323.2, NM_001406743.1, NM_001406744.1 and 6 more transcripts); and 6 more; short protein forms N579K, N325K, N184K, N96K, N433K, N249K, N483K, N536K.
Identifiers: ClinVar variation 216717 (VCV000216717.26), dbSNP rs144455821, ClinGen allele CA035240.